The following is an entry in ClinVar:

NM_005591.4(MRE11):c.894A>C (p.Lys298Asn)

Gene: MRE11 (MRE11 double strand break repair nuclease; minus strand). Cytogenetic location: 11q21.
Variant type: single nucleotide variant.
Coding change: c.894A>C on transcript NM_005591.4 (MANE Select); coding-DNA position 894, A replaced by C.
Protein change: p.Lys298Asn; replaces lysine 298 with asparagine.
Molecular consequence: missense variant.
Genome position (GRCh38, 1-based): chr11:94,470,594, T>G on the plus strand (A>C on the coding strand, the complement: MRE11 is on the minus strand). VCF-style: chr11-94470594-T-G. GRCh37 (hg19) VCF-style: chr11-94203760-T-G.
Other names: c.894A>C, p.Lys298Asn (NM_001330347.2, NM_005590.4); short protein forms K298N.
Identifiers: ClinVar variation 481770 (VCV000481770.5), dbSNP rs1555012782, ClinGen allele CA382374575.

ClinVar aggregate classification (germline): Uncertain significance (1 of 4 stars; one submission).

Conditions:
Hereditary cancer-predisposing syndrome. Also called: Neoplastic Syndromes, Hereditary; Tumor predisposition; Hereditary Cancer Syndrome; Hereditary neoplastic syndrome. Identifiers: Orphanet 140162, MedGen C0027672, MeSH D009386, MONDO:0015356.

Submission:

Ambry Genetics
Classification: Uncertain significance for Hereditary cancer-predisposing syndrome. Last evaluated: 2020-07-29. Review status: criteria provided, single submitter. Criteria: Ambry Variant Classification Scheme 2023. Collection method: clinical testing. Allele origin: germline.
Comment: The p.K298N variant (also known as c.894A>C), located in coding exon 8 of the MRE11A gene, results from an A to C substitution at nucleotide position 894. The lysine at codon 298 is replaced by asparagine, an amino acid with similar properties. This amino acid position is well conserved in available vertebrate species. In addition, this alteration is predicted to be tolerated by in silico analysis. Since supporting evidence is limited at this time, the clinical significance of this alteration remains unclear.